The following is an entry in ClinVar:

NM_144687.4(NLRP12):c.953G>A (p.Arg318Gln)

Gene: NLRP12 (NLR family pyrin domain containing 12; minus strand). Cytogenetic location: 19q13.42.
Variant type: single nucleotide variant.
Coding change: c.953G>A on transcript NM_144687.4 (MANE Select); coding-DNA position 953, G replaced by A.
Protein change: p.Arg318Gln; replaces arginine 318 with glutamine.
Molecular consequence: missense variant.
Genome position (GRCh38, 1-based): chr19:53,810,706, C>T on the plus strand (G>A on the coding strand, the complement: NLRP12 is on the minus strand). VCF-style: chr19-53810706-C-T. GRCh37 (hg19) VCF-style: chr19-54313960-C-T.
Other names: c.953G>A, p.Arg318Gln (NM_001277126.2, NM_001277129.1); short protein forms R318Q.
Identifiers: ClinVar variation 1401381 (VCV001401381.7), dbSNP rs1361737454, ClinGen allele CA407415428.
Genomic context (GRCh38, chr19:53,810,706, plus strand): 5'-AAAGATAGCTCAGGGAGCAGCTTCTTCCGAATTAAGCTGTTAAGAAGCAGCTCCGTGGGC[C>T]GTTTCTCCTCCCAGCAGAGGCACCAGGGTCCCTGAGGATCGTGGAAAGAAGGCTTGAGCT-3'
Protein context (NP_653288.1, residues 308-328): GPWCLCWEEK[Arg318Gln]PTELLLNSLI

ClinVar aggregate classification (germline): Uncertain significance (1 of 4 stars; one submission).

Conditions:
Familial cold autoinflammatory syndrome 2 (FCAS2). Identifiers: Orphanet 247868, MedGen C2673198, MONDO:0012724, OMIM 611762.

Allele frequency attached by ClinVar (database versions not stated): gnomAD 0.00001.
gnomAD v4.1: 3 of 1,613,848 alleles (0.00019%); highest among the groups gnomAD compares: African/African-American, 0.0013%; no homozygotes.

Submission:

Labcorp Genetics (formerly Invitae), Labcorp
Classification: Uncertain significance for Familial cold autoinflammatory syndrome 2. Last evaluated: 2025-12-31. Review status: criteria provided, single submitter. Criteria: Invitae Variant Classification Sherloc (09022015). Collection method: clinical testing. Allele origin: germline.
Comment: This sequence change replaces arginine, which is basic and polar, with glutamine, which is neutral and polar, at codon 318 of the NLRP12 protein (p.Arg318Gln). This variant is not present in population databases (gnomAD no frequency). This variant has not been reported in the literature in individuals affected with NLRP12-related conditions. ClinVar contains an entry for this variant (Variation ID: 1401381). Invitae Evidence Modeling of protein sequence and biophysical properties (such as structural, functional, and spatial information, amino acid conservation, physicochemical variation, residue mobility, and thermodynamic stability) indicates that this missense variant is not expected to disrupt NLRP12 protein function with a negative predictive value of 80%. In summary, the available evidence is currently insufficient to determine the role of this variant in disease. Therefore, it has been classified as a Variant of Uncertain Significance.